The following is an entry in ClinVar:

NM_001042492.3(NF1):c.4976T>G (p.Leu1659Arg)

Gene: NF1 (neurofibromin 1; plus strand). Cytogenetic location: 17q11.2.
Variant type: single nucleotide variant.
Coding change: c.4976T>G on transcript NM_001042492.3 (MANE Select); coding-DNA position 4976, T replaced by G.
Protein change: p.Leu1659Arg; replaces leucine 1659 with arginine.
Molecular consequence: missense variant.
Genome position (GRCh38, 1-based): chr17:31,325,960, T>G. VCF-style: chr17-31325960-T-G. GRCh37 (hg19) VCF-style: chr17-29652978-T-G.
Other names: c.4913T>G, p.Leu1638Arg (NM_000267.4); short protein forms L1638R, L1659R.
Identifiers: ClinVar variation 3237809 (VCV003237809.1), dbSNP rs2151537955.
Genomic context (GRCh38, chr17:31,325,960, plus strand): 5'-ATGAAATTGTAGTGGACCTTACCCATACCGGGCCTAGCAATCGCTTTAAAACAGACTTTC[T>G]CTCTAAGTGGTTTGTTGTTTTTCCTGGCTTTGCTTACGACAACGTCTCCGCAGTCTATAT-3'
Protein context (NP_001035957.1, residues 1649-1669): GPSNRFKTDF[Leu1659Arg]SKWFVVFPGF

ClinVar aggregate classification (germline): Uncertain significance (1 of 4 stars; one submission).

Conditions:
Hereditary cancer-predisposing syndrome. Also called: Neoplastic Syndromes, Hereditary; Tumor predisposition; Hereditary neoplastic syndrome; Hereditary Cancer Syndrome. Identifiers: Orphanet 140162, MedGen C0027672, MeSH D009386, MONDO:0015356.
Cardiovascular phenotype. Identifiers: MedGen CN230736.

Submission:

Ambry Genetics
Classification: Uncertain significance for Cardiovascular phenotype; Hereditary cancer-predisposing syndrome. Last evaluated: 2023-12-07. Review status: criteria provided, single submitter. Criteria: Ambry Variant Classification Scheme 2023. Collection method: clinical testing. Allele origin: germline.
Comment: The p.L1638R variant (also known as c.4913T>G), located in coding exon 36 of the NF1 gene, results from a T to G substitution at nucleotide position 4913. The leucine at codon 1638 is replaced by arginine, an amino acid with dissimilar properties. This amino acid position is conserved. In addition, this alteration is predicted to be deleterious by in silico analysis. Since supporting evidence is limited at this time, the clinical significance of this alteration remains unclear.